The following is an entry in ClinVar:

NM_000179.3(MSH6):c.3857_3883dup (p.Cys1294_Pro1295insLeuTyrLysPheIleLysGlyAlaCys)

Gene: MSH6 (mutS homolog 6; plus strand). Cytogenetic location: 2p16.3.
Variant type: Duplication.
Coding change: c.3857_3883dup on transcript NM_000179.3 (MANE Select); coding-DNA positions 3857 to 3883, 27 bases duplicated (TCTATAAATTCATTAAGGGAGCTTGTC).
Protein change: p.Cys1294_Pro1295insLeuTyrLysPheIleLysGlyAlaCys.
Molecular consequence: non-coding transcript variant (on NR_176256.1). On other transcripts: intron variant (1).
Genome position (GRCh38, 1-based): chr2:47,806,507-47,806,533, TCTATAAATTCATTAAGGGAGCTTGTC duplicated; duplicating any 27 consecutive bases within chr2:47,806,506-47,806,533 gives the same sequence; the c. name uses the placement nearest the transcript's 3' end. VCF-style (leftmost placement, unchanged base first): chr2-47806505-C-CCTCTATAAATTCATTAAGGGAGCTTGT. GRCh37 (hg19) VCF-style: chr2-48033644-C-CCTCTATAAATTCATTAAGGGAGCTTGT.
Other names: c.3560_3586dup, p.Cys1195_Pro1196insLeuTyrLysPheIleLysGlyAlaCys (NM_001406818.1, NM_001406819.1, NM_001406820.1 and 10 more transcripts); c.2951_2977dup, p.Cys992_Pro993insLeuTyrLysPheIleLysGlyAlaCys (NM_001406823.1, NM_001406829.1, NM_001281493.2 and 6 more transcripts); c.3689_3715dup, p.Cys1238_Pro1239insLeuTyrLysPheIleLysGlyAlaCys (NM_001406826.1); c.3467_3493dup, p.Cys1164_Pro1165insLeuTyrLysPheIleLysGlyAlaCys (NM_001281492.2); c.3953_3979dup, p.Cys1326_Pro1327insLeuTyrLysPheIleLysGlyAlaCys (NM_001406795.1); c.3857_3883dup, p.Cys1294_Pro1295insLeuTyrLysPheIleLysGlyAlaCys (NM_001406796.1, NM_001406808.1, NM_001406809.1); c.3683_3709dup, p.Cys1236_Pro1237insLeuTyrLysPheIleLysGlyAlaCys (NM_001406798.1); c.3332_3358dup, p.Cys1119_Pro1120insLeuTyrLysPheIleLysGlyAlaCys (NM_001406799.1, NM_001406806.1, NM_001406807.1); and 9 more.
Identifiers: ClinVar variation 3660771 (VCV003660771.2).

ClinVar aggregate classification (germline): Uncertain significance (1 of 4 stars; one submission).

Conditions:
Hereditary nonpolyposis colorectal neoplasms. Identifiers: MedGen C0009405, MeSH D003123.

Submission:

Labcorp Genetics (formerly Invitae), Labcorp
Classification: Uncertain significance for Hereditary nonpolyposis colorectal neoplasms. Last evaluated: 2024-07-30. Review status: criteria provided, single submitter. Criteria: Invitae Variant Classification Sherloc (09022015). Collection method: clinical testing. Allele origin: germline.
Comment: This variant, c.3857_3883dup, results in the insertion of 9 amino acid(s) of the MSH6 protein (p.Leu1286_Cys1294dup), but otherwise preserves the integrity of the reading frame. This variant is not present in population databases (gnomAD no frequency). This variant has not been reported in the literature in individuals affected with MSH6-related conditions. In summary, the available evidence is currently insufficient to determine the role of this variant in disease. Therefore, it has been classified as a Variant of Uncertain Significance.